The following is an entry in ClinVar:

ClinVar aggregate classification (germline): Likely pathogenic (1 of 4 stars; one submission).

Conditions:
Wilson disease (WND). Also called: Wilson's disease. Identifiers: Orphanet 905, MedGen C0019202, MONDO:0010200, OMIM 277900. Disease mechanism: loss of function.

Submission:

Labcorp Genetics (formerly Invitae), Labcorp
Classification: Likely pathogenic for Wilson disease. Last evaluated: 2023-01-17. Review status: criteria provided, single submitter. Criteria: Invitae Variant Classification Sherloc (09022015). Collection method: clinical testing. Allele origin: germline.
Comment: This variant disrupts the p.Ala1018 amino acid residue in ATP7B. Other variant(s) that disrupt this residue have been determined to be pathogenic (PMID: 17154398, 30884209, 31059521; Invitae). This suggests that this residue is clinically significant, and that variants that disrupt this residue are likely to be disease-causing. In summary, the currently available evidence indicates that the variant is pathogenic, but additional data are needed to prove that conclusively. Therefore, this variant has been classified as Likely Pathogenic. Advanced modeling of protein sequence and biophysical properties (such as structural, functional, and spatial information, amino acid conservation, physicochemical variation, residue mobility, and thermodynamic stability) has been performed at Invitae for this missense variant, however the output from this modeling did not meet the statistical confidence thresholds required to predict the impact of this variant on ATP7B protein function. This variant has not been reported in the literature in individuals affected with ATP7B-related conditions. This variant is not present in population databases (gnomAD no frequency). This sequence change replaces alanine, which is neutral and non-polar, with glutamic acid, which is acidic and polar, at codon 1018 of the ATP7B protein (p.Ala1018Glu).

Literature cited by the submitters: PubMed 17154398; PubMed 30884209; PubMed 31059521.

NM_000053.4(ATP7B):c.3053C>A (p.Ala1018Glu)

Gene: ATP7B (ATPase copper transporting beta; minus strand). Cytogenetic location: 13q14.3.
Variant type: single nucleotide variant.
Coding change: c.3053C>A on transcript NM_000053.4 (MANE Select); coding-DNA position 3053, C replaced by A.
Protein change: p.Ala1018Glu; replaces alanine 1018 with glutamic acid.
Molecular consequence: missense variant.
Genome position (GRCh38, 1-based): chr13:51,946,291, G>T on the plus strand (C>A on the coding strand, the complement: ATP7B is on the minus strand). VCF-style: chr13-51946291-G-T. GRCh37 (hg19) VCF-style: chr13-52520427-G-T.
Other names: c.2432C>A, p.Ala811Glu (NM_001005918.3); c.2720C>A, p.Ala907Glu (NM_001243182.2); c.2819C>A, p.Ala940Glu (NM_001330578.2, NM_001406527.1, NM_001406528.1 and 1 more transcripts); c.2801C>A, p.Ala934Glu (NM_001330579.2, NM_001406531.1, NM_001406532.1); c.3053C>A, p.Ala1018Glu (NM_001406511.1, NM_001406512.1, NM_001406513.1 and 2 more transcripts); c.3020C>A, p.Ala1007Glu (NM_001406514.1); c.2999C>A, p.Ala1000Glu (NM_001406515.1, NM_001406516.1); c.2957C>A, p.Ala986Glu (NM_001406517.1, NM_001406518.1); and 12 more; short protein forms A1018E, A907E, A938E, A970E, A1000E, A811E, A824E, A856E.
Identifiers: ClinVar variation 2083623 (VCV002083623.4), dbSNP rs371840514, ClinGen allele CA388031755.